The following is an entry in ClinVar:

ClinVar aggregate classification (germline): Benign/Likely benign. Review status: criteria provided, multiple submitters, no conflicts (2 of 4 stars). 2 submissions from 2 submitters: Benign (1); Likely benign (1). Last evaluated 2019-08-15.

Conditions:
Peroxisome biogenesis disorder 7A (Zellweger). Also called: Peroxisome biogenesis disorder 7A. Identifiers: Orphanet 912, MedGen C3888385, MONDO:0013938, OMIM 614872.

Allele frequency attached by ClinVar (database versions not stated): gnomAD 0.01598; 1000 Genomes Project 0.01777; TOPMed 0.01784; 1000 Genomes Project 30x 0.01999.
gnomAD v4.1: 3,225 of 465,018 alleles (0.69%); highest among the groups gnomAD compares: African/African-American, 5.6%; 74 homozygotes.

Submissions (2):

GeneDx
Classification: Benign. Last evaluated: 2019-08-15. Review status: criteria provided, single submitter. Criteria: GeneDx Variant Classification Process June 2021. Collection method: clinical testing. Allele origin: germline. Affected: yes.

Illumina Laboratory Services, Illumina
Classification: Likely benign for Peroxisome biogenesis disorder 7A (Zellweger). Last evaluated: 2017-04-27. Review status: criteria provided, single submitter. Criteria: ICSL Variant Classification Criteria 13 December 2019. Collection method: clinical testing. Allele origin: germline.
Comment: This variant was observed as part of a predisposition screen in an ostensibly healthy population. A literature search was performed for the gene, cDNA change, and amino acid change (where applicable). No publications were found based on this search. Allele frequency data from public databases allowed determination this variant is unlikely to cause disease. Therefore, this variant is classified as likely benign.

NM_001127649.3(PEX26):c.-363G>C

Gene: PEX26 (peroxisomal biogenesis factor 26; plus strand). Cytogenetic location: 22q11.21.
Variant type: single nucleotide variant.
Coding change: c.-363G>C on transcript NM_001127649.3 (MANE Select); 363 bases upstream of the start codon, G replaced by C.
Molecular consequence: 5 prime UTR variant.
Genome position (GRCh38, 1-based): chr22:18,078,014, G>C. VCF-style: chr22-18078014-G-C. GRCh37 (hg19) VCF-style: chr22-18560780-G-C.
Other names: c.-115G>C (NM_001199319.2, NM_017929.6).
Identifiers: ClinVar variation 340748 (VCV000340748.8), dbSNP rs138787474, ClinGen allele CA10653846.